The following is an entry in ClinVar:

ClinVar aggregate classification (germline): Pathogenic/Likely pathogenic. Review status: criteria provided, multiple submitters, no conflicts (2 of 4 stars). 6 submissions from 6 submitters: Pathogenic (1); Likely pathogenic (5). Last evaluated 2025-10-05.

Conditions:
CEP290-related disorder. Also called: CEP290-related disorders; CEP290-related condition. Identifiers: MedGen CN239314.
Meckel-Gruber syndrome. Also called: DYSENCEPHALIA SPLANCHNOCYSTICA; GRUBER SYNDROME; Dysencephalia splachnocystica. Identifiers: Orphanet 564, MedGen C0265215, MONDO:0018921.
Joubert syndrome. Also called: Familial aplasia of the vermis; JOUBERT-BOLTSHAUSER SYNDROME. Identifiers: Orphanet 475, MedGen C5979921, MONDO:0018772.
Nephronophthisis. Also called: Juvenile Nephronophthisis. Identifiers: Orphanet 655, MedGen C0687120, MONDO:0019005, HP:0000090.
Senior-Loken syndrome 6 (SLSN6). Identifiers: Orphanet 3156, MedGen C1857779, MONDO:0012433, OMIM 610189.
Bardet-Biedl syndrome 14 (BBS14). Identifiers: Orphanet 110, MedGen C2673874, MONDO:0014442, OMIM 615991.
Joubert syndrome 5 (JBTS5). Identifiers: Orphanet 2318, MedGen C1857780, MONDO:0012432, OMIM 610188.
Leber congenital amaurosis 10 (LCA10). Identifiers: Orphanet 65, MedGen C1857821, MONDO:0012723, OMIM 611755.
Meckel syndrome, type 4 (MKS4). Also called: MECKEL-GRUBER SYNDROME, TYPE 4. Identifiers: Orphanet 564, MedGen C1970161, MONDO:0012626, OMIM 611134.
Leber congenital amaurosis (LCA). Also called: Leber's amaurosis. Identifiers: Orphanet 65, MedGen C0339527, MeSH D057130, MONDO:0018998.

Allele frequency attached by ClinVar (database versions not stated): gnomAD exomes 0.00001; TOPMed 0.00001.
gnomAD v4.1: 19 of 1,565,488 alleles (0.0012%); highest among the groups gnomAD compares: Non-Finnish European, 0.0016%; no homozygotes.

Submissions (6):

Natera, Inc.
Classification: Likely pathogenic for Leber congenital amaurosis. Last evaluated: 2025-10-05. Review status: criteria provided, single submitter. Criteria: Natera Variant Classification Schema (03/2026). Collection method: clinical testing. Allele origin: germline.
Comment: The c.181-2A>G variant in CEP290 is a canonical splice acceptor site variant predicted to affect pre-mRNA splicing, which may result in an abnormal transcript and altered protein product. This variant is expected to result in nonsense mediated decay, truncation, or a dysfunctional protein product. This variant is rare in the general population with a frequency below the threshold expected for the associated phenotype(s). Given the available evidence, this variant is classified as Likely Pathogenic.

Fulgent Genetics
Classification: Likely pathogenic for Joubert syndrome 5; Senior-Loken syndrome 6; Meckel syndrome, type 4; Leber congenital amaurosis 10; Bardet-Biedl syndrome 14. Last evaluated: 2024-04-22. Review status: criteria provided, single submitter. Criteria: ACMG Guidelines, 2015. Collection method: clinical testing. Allele origin: germline.

Baylor Genetics
Classification: Likely pathogenic for Bardet-Biedl syndrome 14. Last evaluated: 2024-03-28. Review status: criteria provided, single submitter. Criteria: ACMG Guidelines, 2015. Collection method: clinical testing. Allele origin: unknown.

Labcorp Genetics (formerly Invitae), Labcorp
Classification: Likely pathogenic for Joubert syndrome; Meckel-Gruber syndrome; Nephronophthisis. Last evaluated: 2024-01-22. Review status: criteria provided, single submitter. Criteria: Invitae Variant Classification Sherloc (09022015). Collection method: clinical testing. Allele origin: germline.
Comment: This sequence change affects an acceptor splice site in intron 3 of the CEP290 gene. It is expected to disrupt RNA splicing. Variants that disrupt the donor or acceptor splice site typically lead to a loss of protein function (PMID: 16199547), and loss-of-function variants in CEP290 are known to be pathogenic (PMID: 16909394, 17345604, 20690115). This variant is present in population databases (no rsID available, gnomAD 0.002%). This variant has not been reported in the literature in individuals affected with CEP290-related conditions. ClinVar contains an entry for this variant (Variation ID: 282257). Algorithms developed to predict the effect of sequence changes on RNA splicing suggest that this variant may disrupt the consensus splice site. In summary, the currently available evidence indicates that the variant is pathogenic, but additional data are needed to prove that conclusively. Therefore, this variant has been classified as Likely Pathogenic.

Blueprint Genetics
Classification: Likely pathogenic for CEP290-related disorders. Last evaluated: 2019-05-22. Review status: criteria provided, single submitter. Criteria: ACMG Guidelines, 2015. Collection method: clinical testing. Allele origin: germline. Affected: yes. Observed: 1 variant allele.

Eurofins Ntd Llc (ga)
Classification: Pathogenic. Last evaluated: 2015-08-12. Review status: criteria provided, single submitter. Criteria: EGL Classification Definitions 2015. Collection method: clinical testing. Allele origin: germline. Observed: 1 variant allele, 1 heterozygote.

Literature cited by the submitters: PubMed 16199547 (cited by Labcorp Genetics (formerly Invitae), Labcorp); PubMed 16909394 (cited by Labcorp Genetics (formerly Invitae), Labcorp); PubMed 17345604 (cited by Labcorp Genetics (formerly Invitae), Labcorp); PubMed 20690115 (cited by Labcorp Genetics (formerly Invitae), Labcorp).

NM_025114.4(CEP290):c.181-2A>G

Gene: CEP290 (centrosomal protein 290; minus strand). Cytogenetic location: 12q21.32.
Variant type: single nucleotide variant.
Coding change: c.181-2A>G on transcript NM_025114.4 (MANE Select); the canonical splice acceptor site of the intron before coding-DNA position 181, A replaced by G.
Molecular consequence: splice acceptor variant.
Genome position (GRCh38, 1-based): chr12:88,139,566, T>C on the plus strand (A>G on the coding strand, the complement: CEP290 is on the minus strand). VCF-style: chr12-88139566-T-C. GRCh37 (hg19) VCF-style: chr12-88533343-T-C.
Other names: c.181-2A>G (NM_025114.3).
Identifiers: ClinVar variation 282257 (VCV000282257.18), dbSNP rs886042359, ClinGen allele CA10604124.